The following is an entry in ClinVar:

NM_001326342.2(CELF2):c.1517G>A (p.Arg506His)

Genes: CELF2 (CUGBP Elav-like family member 2; plus strand), CELF2-AS1 (CELF2 antisense RNA 1; minus strand). Cytogenetic location: 10p14.
Variant type: single nucleotide variant.
Coding change: c.1517G>A on transcript NM_001326342.2 (MANE Select); coding-DNA position 1517, G replaced by A.
Protein change: p.Arg506His; replaces arginine 506 with histidine.
Molecular consequence: missense variant.
Genome position (GRCh38, 1-based): chr10:11,329,004, G>A. VCF-style: chr10-11329004-G-A. GRCh37 (hg19) VCF-style: chr10-11370967-G-A.
Other names: c.1496G>A, p.Arg499His (NM_001326331.2, NM_001394502.1); c.1478G>A, p.Arg493His (NM_001326332.2, NM_001025077.3, NM_001326319.2); c.812G>A, p.Arg271His (NM_001326333.2); c.1424G>A, p.Arg475His (NM_001326334.2, NM_001326345.2, NM_001326349.2 and 6 more transcripts); c.1490G>A, p.Arg497His (NM_001326335.2); c.1550G>A, p.Arg517His (NM_001326336.2); c.1310G>A, p.Arg437His (NM_001326337.2); c.1145G>A, p.Arg382His (NM_001326338.2); and 14 more; short protein forms R265H, R271H, R382H, R388H, R437H, R469H, R473H, R475H.
Identifiers: ClinVar variation 1334733 (VCV001334733.4), dbSNP rs2132785456, ClinGen allele CA375974124.
Genomic context (GRCh38, chr10:11,329,004, plus strand): 5'-ATCCAGTCTCTGCACAAGCTGCTATCCAAGCTATGAATGGCTTTCAGATCGGCATGAAAC[G>A]CTTGAAGGTGCAGCTGAAGCGTTCCAAAAACGACAGCAAACCTTACTGATCCTAACCCCA-3'
Protein context (NP_001313271.1, residues 496-516): AMNGFQIGMK[Arg506His]LKVQLKRSKN

ClinVar aggregate classification (germline): Pathogenic (1 of 4 stars; one submission).

Conditions:
Developmental and epileptic encephalopathy 97 (DEE97). Identifiers: MedGen C5561999, MONDO:0030453, OMIM 619561.

Submission:

Greenwood Genetic Center Diagnostic Laboratories, Greenwood Genetic Center
Classification: Pathogenic for Developmental and epileptic encephalopathy 97. Last evaluated: 2021-04-30. Review status: criteria provided, single submitter. Criteria: ACMG Guidelines, 2015. Collection method: clinical testing. Allele origin: germline. Affected: yes.
Comment: PS2, PP2, PP3, PM1, PM2, PM5